The following is an entry in ClinVar:

ClinVar aggregate classification (germline): Uncertain significance. Review status: criteria provided, multiple submitters, no conflicts (2 of 4 stars). 4 submissions from 4 submitters: Uncertain significance (4). Last evaluated 2026-04-16.

Conditions:
LTBP4-related disorder. Also called: LTBP4-related condition.

Allele frequency attached by ClinVar (database versions not stated): TOPMed 0.00026; 1000 Genomes Project 30x 0.00062; 1000 Genomes Project 0.00080.
gnomAD v4.1: 685 of 1,589,640 alleles (0.043%); highest among the groups gnomAD compares: Non-Finnish European, 0.053%; 1 homozygote.

Submissions (4):

PreventionGenetics, part of Exact Sciences
Classification: Uncertain significance for LTBP4-related condition. Last evaluated: 2026-04-16. Review status: criteria provided, single submitter. Criteria: ACMG Guidelines, 2015. Collection method: clinical testing. Allele origin: germline.
Comment: The LTBP4 c.4108C>G variant is predicted to result in the amino acid substitution p.Pro1370Ala. To our knowledge, this variant has not been reported in the literature. This variant is reported in 0.040% of alleles in individuals of European (Non-Finnish) descent in gnomAD. Although we suspect that this variant may be benign, at this time, the clinical significance of this variant is uncertain due to the absence of conclusive functional and genetic evidence.

GeneDx
Classification: Uncertain significance. Last evaluated: 2025-11-11. Review status: criteria provided, single submitter. Criteria: GeneDx Variant Classification Process June 2021. Collection method: clinical testing. Allele origin: germline. Affected: yes.
Comment: Has not been previously published as pathogenic or benign to our knowledge; In silico analysis suggests that this missense variant does not alter protein structure/function

Labcorp Genetics (formerly Invitae), Labcorp
Classification: Uncertain significance. Last evaluated: 2024-01-25. Review status: criteria provided, single submitter. Criteria: Invitae Variant Classification Sherloc (09022015). Collection method: clinical testing. Allele origin: germline.
Comment: This sequence change replaces proline, which is neutral and non-polar, with alanine, which is neutral and non-polar, at codon 1370 of the LTBP4 protein (p.Pro1370Ala). This variant is present in population databases (rs370767377, gnomAD 0.04%). This variant has not been reported in the literature in individuals affected with LTBP4-related conditions. ClinVar contains an entry for this variant (Variation ID: 393072). Experimental studies and prediction algorithms are not available or were not evaluated, and the functional significance of this variant is currently unknown. In summary, the available evidence is currently insufficient to determine the role of this variant in disease. Therefore, it has been classified as a Variant of Uncertain Significance.

CeGaT Center for Human Genetics Tuebingen
Classification: Uncertain significance. Last evaluated: 2022-11-01. Review status: criteria provided, single submitter. Criteria: CeGaT Center For Human Genetics Tuebingen Variant Classification Criteria Version 2. Collection method: clinical testing. Allele origin: germline. Affected: yes. Observed: 1 variant allele.
Comment: LTBP4: PP3

NM_001042545.2(LTBP4):c.4018C>G (p.Pro1340Ala)

Gene: LTBP4 (latent transforming growth factor beta binding protein 4; plus strand). Cytogenetic location: 19q13.2.
Variant type: single nucleotide variant.
Coding change: c.4018C>G on transcript NM_001042545.2 (MANE Select); coding-DNA position 4018, C replaced by G.
Protein change: p.Pro1340Ala; replaces proline 1340 with alanine.
Molecular consequence: missense variant.
Genome position (GRCh38, 1-based): chr19:40,627,007, C>G. VCF-style: chr19-40627007-C-G. GRCh37 (hg19) VCF-style: chr19-41132912-C-G.
Other names: c.4219C>G, p.Pro1407Ala (NM_001042544.1); c.4108C>G, p.Pro1370Ala (NM_003573.2); short protein forms P1340A, P1370A, P1407A.
Identifiers: ClinVar variation 393072 (VCV000393072.41), dbSNP rs370767377, ClinGen allele CA9449210.